The following is an entry in ClinVar:

ClinVar aggregate classification (germline): Conflicting classifications of pathogenicity. Review status: criteria provided, conflicting classifications (1 of 4 stars). 8 submissions from 8 submitters: Uncertain significance (5); Benign (2); Likely benign (1). Last evaluated 2025-11-04.

Conditions:
Heterotopia, periventricular, X-linked dominant (PVNH1). Also called: PERIVENTRICULAR NODULAR HETEROTOPIA 4; HETEROTOPIA, PERIVENTRICULAR, 1; PERIVENTRICULAR NODULAR HETEROTOPIA 1; X-linked periventricular heterotopia. Identifiers: Orphanet 2149, Orphanet 82004, MedGen C1848213, MONDO:0010233, OMIM 300049.
Oto-palato-digital syndrome, type II (OPD2). Also called: FACIOPALATOOSSEOUS SYNDROME; OPD II SYNDROME; Otopalatodigital Syndrome Type 2 (FLNA-OPD2); Otopalatodigital Syndrome, Type II. Identifiers: Orphanet 669, Orphanet 90652, MedGen C1844696, MONDO:0010571, OMIM 304120.
Frontometaphyseal dysplasia (FMD1). Identifiers: Orphanet 1826, MedGen C0265293, MONDO:0015942.
Melnick-Needles syndrome (MNS). Also called: MELNICK-NEEDLES OSTEODYSPLASTY; OSTEODYSPLASTY OF MELNICK AND NEEDLES; Melnick-Needles Syndrome (FLNA-MNS). Identifiers: Orphanet 2484, MedGen C0025237, MONDO:0010650, OMIM 309350.
Intestinal pseudoobstruction, neuronal, chronic idiopathic, X-linked (CIIPX). Also called: FLNA-Related Periventricular Nodular Heterotopia (FLNA-Related PVNH; Huttenlocher Syndrome); CONGENITAL IDIOPATHIC INTESTINAL PSEUDOOBSTRUCTION; INTESTINAL PSEUDOOBSTRUCTION, NEURONAL, CHRONIC IDIOPATHIC, WITH CENTRAL NERVOUS SYSTEM INVOLVEMENT. Identifiers: Orphanet 2301, MedGen C2746068, MONDO:0010232, OMIM 300048.
Cardiac valvular dysplasia, X-linked (CVDPX). Also called: Congenital valvular dysplasia; Isolated X-Linked Cardiac Valvular Dysplasia; FLNA-Related X-linked Cardiac Valvular Dysplasia; MYXOMATOUS VALVULAR DYSTROPHY, X-LINKED; VALVULAR HEART DISEASE, CONGENITAL. Identifiers: Orphanet 1864, Orphanet 555877, Orphanet 75497, MedGen C0262436, MONDO:0010753, OMIM 314400.
Oto-palato-digital syndrome, type I (OPD1). Also called: OPD I SYNDROME; OPD SYNDROME 1; Otopalatodigital Syndrome Type 1 (FLNA-OPD1); Otopalatodigital Syndrome, Type I; Taybi syndrome. Identifiers: Orphanet 669, Orphanet 90650, MedGen C0265251, MONDO:0010704, OMIM 311300.
Frontometaphyseal dysplasia 1 (FMD1). Also called: Frontometaphyseal Dysplasia (FLNA-FMD). Identifiers: Orphanet 1826, MedGen C4281559, MONDO:0024550, OMIM 305620.
Terminal osseous dysplasia-pigmentary defects syndrome. Also called: ODPF SYNDROME; OSSEOUS DYSPLASIA, DIGITAL, WITH FACIAL PIGMENTARY DEFECTS AND MULTIPLE FRENULA; ODPD; TERMINAL OSSEOUS DYSPLASIA AND PIGMENTARY DEFECTS; Terminal Osseous Dysplasia (FLNA-TOD). Identifiers: Orphanet 88630, MedGen C1846129, MONDO:0010279, OMIM 300244.
FG syndrome 2 (FGS2). Identifiers: MedGen C1845902, MONDO:0010297, OMIM 300321.
Familial thoracic aortic aneurysm and aortic dissection (TAAD). Also called: Thoracic aortic aneurysms and dissections. Identifiers: Orphanet 91387, MedGen C4707243, MONDO:0019625.

Allele frequency attached by ClinVar (database versions not stated): gnomAD exomes below 0.00001 and 0.00002; ExAC 0.00001.
gnomAD v4.1: 2 of 1,211,374 alleles (0.00017%); highest among the groups gnomAD compares: East Asian, 0.0059%; no homozygotes.

Submissions (8):

Ambry Genetics
Classification: Likely benign for Familial thoracic aortic aneurysm and aortic dissection. Last evaluated: 2025-11-04. Review status: criteria provided, single submitter. Criteria: Ambry Variant Classification Scheme 2023. Collection method: clinical testing. Allele origin: germline.

Labcorp Genetics (formerly Invitae), Labcorp
Classification: Benign for Oto-palato-digital syndrome, type II; Heterotopia, periventricular, X-linked dominant; Frontometaphyseal dysplasia; Melnick-Needles syndrome. Last evaluated: 2025-08-02. Review status: criteria provided, single submitter. Criteria: Invitae Variant Classification Sherloc (09022015). Collection method: clinical testing. Allele origin: germline.

Mayo Clinic Laboratories, Mayo Clinic
Classification: Uncertain significance. Last evaluated: 2025-03-14. Review status: criteria provided, single submitter. Criteria: ACMG Guidelines, 2015. Collection method: clinical testing. Allele origin: germline. Observed: 2 variant alleles.
Comment: BP5, PM2_supporting

GeneDx
Classification: Uncertain significance. Last evaluated: 2025-03-11. Review status: criteria provided, single submitter. Criteria: GeneDx Variant Classification Process June 2021. Collection method: clinical testing. Allele origin: germline. Affected: yes.
Comment: Published functional studies suggest a damaging effect through impaired embryonic development and cell migration (PMID: 36734119); In silico analysis supports that this missense variant has a deleterious effect on protein structure/function; This variant is associated with the following publications: (PMID: 36734119)

Revvity Omics, Revvity
Classification: Uncertain significance. Last evaluated: 2025-03-07. Review status: criteria provided, single submitter. Criteria: ACMG Guidelines, 2015. Collection method: clinical testing. Allele origin: germline.

ARUP Laboratories, Molecular Genetics and Genomics, ARUP Laboratories
Classification: Uncertain significance. Last evaluated: 2017-02-28. Review status: criteria provided, single submitter. Criteria: ARUP Molecular Germline Variant Investigation Process. Collection method: clinical testing. Allele origin: germline.

Eurofins Ntd Llc (ga)
Classification: Benign. Last evaluated: 2015-05-28. Review status: criteria provided, single submitter. Criteria: EGL Classification Definitions 2015. Collection method: clinical testing. Allele origin: germline. Observed: 2 variant alleles, 1 heterozygote, 1 homozygote.

Juno Genomics, Hangzhou Juno Genomics, Inc
Classification: Uncertain significance for FG syndrome 2; Cardiac valvular dysplasia, X-linked; Intestinal pseudoobstruction, neuronal, chronic idiopathic, X-linked; Frontometaphyseal dysplasia 1; Heterotopia, periventricular, X-linked dominant; Melnick-Needles syndrome; Oto-palato-digital syndrome, type I; Oto-palato-digital syndrome, type II; Terminal osseous dysplasia-pigmentary defects syndrome. Review status: criteria provided, single submitter. Criteria: ACMG Guidelines, 2015. Collection method: clinical testing. Allele origin: germline.
Comment: Absent from controls (or at extremely low frequency if recessive) in Genome Aggregation Database.;Well-established in vitro or in vivo functional studies supportive of a damaging effect on the gene or gene product.;The prevalence of the variant in affected individuals is significantly increased compared to the prevalence in controls.;Co-segregation with disease in multiple affected family members.;Missense variant in a gene that has a low rate of benign missense variation.;Observed in a healthy adult individual for a recessive/dominant/X-linked disorder with full penetrance.

Literature cited by the submitters: PubMed 36734119 (cited by Ambry Genetics and Mayo Clinic Laboratories, Mayo Clinic).

NM_001110556.2(FLNA):c.4420G>A (p.Asp1474Asn)

Gene: FLNA (filamin A; minus strand). Cytogenetic location: Xq28.
Variant type: single nucleotide variant.
Coding change: c.4420G>A on transcript NM_001110556.2 (MANE Select); coding-DNA position 4420, G replaced by A.
Protein change: p.Asp1474Asn; replaces aspartic acid 1474 with asparagine.
Molecular consequence: missense variant.
Genome position (GRCh38, 1-based): chrX:154,359,038, C>T on the plus strand (G>A on the coding strand, the complement: FLNA is on the minus strand). VCF-style: chrX-154359038-C-T. GRCh37 (hg19) VCF-style: chrX-153587406-C-T.
Other names: p.Asp1474Asn; c.4420G>A, p.Asp1474Asn (NM_001456.4); short protein forms D1474N.
Identifiers: ClinVar variation 195948 (VCV000195948.30), dbSNP rs782129236, ClinGen allele CA202041.